The following is an entry in ClinVar:

ClinVar aggregate classification (germline): Uncertain significance. Review status: criteria provided, multiple submitters, no conflicts (2 of 4 stars). 2 submissions from 2 submitters: Uncertain significance (2). Last evaluated 2024-09-11.

Conditions:
Mucopolysaccharidosis type 1. Also called: IDUA deficiency; MPS I; Mucopolysaccharidosis Type I. Identifiers: Orphanet 579, MedGen C0023786, MONDO:0001586.

Submissions (2):

Blueprint Genetics
Classification: Uncertain significance. Last evaluated: 2024-09-11. Review status: criteria provided, single submitter. Criteria: ACMG Guidelines, 2015. Collection method: clinical testing. Allele origin: germline.

Labcorp Genetics (formerly Invitae), Labcorp
Classification: Uncertain significance for Mucopolysaccharidosis type 1. Last evaluated: 2022-10-04. Review status: criteria provided, single submitter. Criteria: Invitae Variant Classification Sherloc (09022015). Collection method: clinical testing. Allele origin: germline.
Comment: This variant, c.36_44dup, results in the insertion of 3 amino acid(s) of the IDUA protein (p.Leu13_Ala15dup), but otherwise preserves the integrity of the reading frame. This variant is present in population databases (no rsID available, gnomAD 0.01%). This variant has not been reported in the literature in individuals affected with IDUA-related conditions. Experimental studies and prediction algorithms are not available or were not evaluated, and the functional significance of this variant is currently unknown. In summary, the available evidence is currently insufficient to determine the role of this variant in disease. Therefore, it has been classified as a Variant of Uncertain Significance.

NM_000203.5(IDUA):c.36_44dup (p.Ala15_Ser16insLeuLeuAla)

Genes: IDUA (alpha-L-iduronidase; plus strand), SLC26A1 (solute carrier family 26 member 1; minus strand). Cytogenetic location: 4p16.3.
Variant type: Duplication.
Coding change: c.36_44dup on transcript NM_000203.5 (MANE Select); coding-DNA positions 36 to 44, 9 bases duplicated (GCTCCTGGC; older notation c.36_44dupGCTCCTGGC).
Protein change: p.Ala15_Ser16insLeuLeuAla.
Molecular consequence: inframe insertion. On other transcripts: non-coding transcript variant (1), intron variant (1).
Genome position (GRCh38, 1-based): chr4:987,120-987,128, GCTCCTGGC duplicated; duplicating any 9 consecutive bases within chr4:987,115-987,128 gives the same sequence; the c. name uses the placement nearest the transcript's 3' end. VCF-style (leftmost placement, unchanged base first): chr4-987114-G-GCTGGCGCTC. GRCh37 (hg19) VCF-style: chr4-980902-G-GCTGGCGCTC.
Other names: c.576+4005_576+4013dup (NM_134425.4).
Identifiers: ClinVar variation 2061505 (VCV002061505.2), dbSNP rs1284049920, ClinGen allele CA549265080.